The following is an entry in ClinVar:

NM_006005.3(WFS1):c.1020C>G (p.Phe340Leu)

Gene: WFS1 (wolframin ER transmembrane glycoprotein; plus strand). Cytogenetic location: 4p16.1.
Variant type: single nucleotide variant.
Coding change: c.1020C>G on transcript NM_006005.3 (MANE Select); coding-DNA position 1020, C replaced by G.
Protein change: p.Phe340Leu; replaces phenylalanine 340 with leucine.
Molecular consequence: missense variant.
Genome position (GRCh38, 1-based): chr4:6,300,815, C>G. VCF-style: chr4-6300815-C-G. GRCh37 (hg19) VCF-style: chr4-6302542-C-G.
Other names: c.1020C>G, p.Phe340Leu (NM_001145853.1); short protein forms F340L.
Identifiers: ClinVar variation 229633 (VCV000229633.5), dbSNP rs876658117, ClinGen allele CA10576637.

ClinVar aggregate classification (germline): Uncertain significance (1 of 4 stars; one submission).

gnomAD v4.1: 2 of 1,614,018 alleles (0.00012%); highest among the groups gnomAD compares: Non-Finnish European, 0.00017%; no homozygotes.

Submission:

Laboratory for Molecular Medicine, Mass General Brigham Personalized Medicine
Classification: Uncertain significance. Last evaluated: 2015-01-29. Review status: criteria provided, single submitter. Criteria: LMM Criteria. Collection method: clinical testing. Allele origin: germline. Observed: 2 variant alleles.
Comment: The p.Phe340Leu variant in WFS1 has not been previously reported in individuals with hearing loss or in large population studies. Computational prediction tools and conservation analyses do not provide strong support for or against an impac t to the protein. In summary, the clinical significance of the p.Phe340Leu varia nt is uncertain.